The following is an entry in ClinVar:

ClinVar aggregate classification (germline): Conflicting classifications of pathogenicity. Review status: criteria provided, conflicting classifications (1 of 4 stars). 3 submissions from 3 submitters: Uncertain significance (2); Likely benign (1). Last evaluated 2025-08-14.

Conditions:
MAGEL2-related disorder. Also called: MAGEL2-related condition.
Inborn genetic diseases. Identifiers: MedGen C0950123, MeSH D030342.

Allele frequency attached by ClinVar (database versions not stated): gnomAD exomes 0.00002 and 0.00001; 1000 Genomes Project 30x 0.00016; 1000 Genomes Project 0.00020; ExAC 0.00002.

Submissions (3):

Labcorp Genetics (formerly Invitae), Labcorp
Classification: Uncertain significance. Last evaluated: 2025-08-14. Review status: criteria provided, single submitter. Criteria: Invitae Variant Classification Sherloc (09022015). Collection method: clinical testing. Allele origin: germline.
Comment: This sequence change replaces serine, which is neutral and polar, with leucine, which is neutral and non-polar, at codon 931 of the MAGEL2 protein (p.Ser931Leu). This variant is present in population databases (rs531503349, gnomAD 0.009%). This variant has not been reported in the literature in individuals affected with MAGEL2-related conditions. ClinVar contains an entry for this variant (Variation ID: 1387886). Invitae Evidence Modeling of protein sequence and biophysical properties (such as structural, functional, and spatial information, amino acid conservation, physicochemical variation, residue mobility, and thermodynamic stability) indicates that this missense variant is not expected to disrupt MAGEL2 protein function with a negative predictive value of 80%. In summary, the available evidence is currently insufficient to determine the role of this variant in disease. Therefore, it has been classified as a Variant of Uncertain Significance.

PreventionGenetics, part of Exact Sciences
Classification: Uncertain significance for MAGEL2-related condition. Last evaluated: 2025-07-14. Review status: criteria provided, single submitter. Criteria: ACMG Guidelines, 2015. Collection method: clinical testing. Allele origin: germline.
Comment: The MAGEL2 c.2792C>T variant is predicted to result in the amino acid substitution p.Ser931Leu. To our knowledge, this variant has not been reported in the literature. This variant is reported in 0.0085% of alleles in individuals of Latino descent in gnomAD. At this time, the clinical significance of this variant is uncertain due to the absence of conclusive functional and genetic evidence.

Ambry Genetics
Classification: Likely benign for Inborn genetic diseases. Last evaluated: 2022-01-26. Review status: criteria provided, single submitter. Criteria: Ambry Variant Classification Scheme 2023. Collection method: clinical testing. Allele origin: germline.

NM_019066.5(MAGEL2):c.2792C>T (p.Ser931Leu)

Gene: MAGEL2 (MAGE family member L2; minus strand). Cytogenetic location: 15q11.2.
Variant type: single nucleotide variant.
Coding change: c.2792C>T on transcript NM_019066.5 (MANE Select); coding-DNA position 2792, C replaced by T.
Protein change: p.Ser931Leu; replaces serine 931 with leucine.
Molecular consequence: missense variant.
Genome position (GRCh38, 1-based): chr15:23,644,951, G>A on the plus strand (C>T on the coding strand, the complement: MAGEL2 is on the minus strand). VCF-style: chr15-23644951-G-A. GRCh37 (hg19) VCF-style: chr15-23890098-G-A.
Other names: c.2792C>T (NM_019066.4); short protein forms S931L.
Identifiers: ClinVar variation 1387886 (VCV001387886.10), dbSNP rs531503349, ClinGen allele CA7429822.